The following is an entry in ClinVar:

ClinVar aggregate classification (germline): Pathogenic. Review status: criteria provided, multiple submitters, no conflicts (2 of 4 stars). 3 submissions from 3 submitters: Pathogenic (3). Last evaluated 2022-08-09.

Conditions:
Developmental and epileptic encephalopathy, 1 (DEE1). Also called: Epileptic encephalopathy, early infantile, 1; X-linked infantile spasms; West's syndrome; Tonic spasms with clustering, arrest of psychomotor development and hypsarrhythmia on EEG; X-Linked Infantile Spasm Syndrome; OHTAHARA SYNDROME, X-LINKED. Identifiers: MedGen C3463992, MONDO:0010632, OMIM 308350. Disease mechanism: loss of function.
Intellectual disability, X-linked, with or without seizures, ARX-related. Also called: Mental retardation, X-linked 52; MENTAL RETARDATION, X-LINKED 29; MENTAL RETARDATION, X-LINKED 32; MENTAL RETARDATION, X-LINKED 33; MENTAL RETARDATION, X-LINKED 38; MENTAL RETARDATION, X-LINKED 43. Identifiers: Orphanet 777, MedGen C0796244, MONDO:0010317, OMIM 300419.

Submissions (3):

Labcorp Genetics (formerly Invitae), Labcorp
Classification: Pathogenic for Developmental and epileptic encephalopathy, 1; Intellectual disability, X-linked, with or without seizures, ARX-related. Last evaluated: 2022-08-09. Review status: criteria provided, single submitter. Criteria: Invitae Variant Classification Sherloc (09022015). Collection method: clinical testing. Allele origin: germline.
Comment: This variant disrupts a region of the ARX protein in which other variant(s) (p.Arg527Alafs*5) have been determined to be pathogenic (PMID: 31623504). This suggests that this is a clinically significant region of the protein, and that variants that disrupt it are likely to be disease-causing. This variant is not present in population databases (gnomAD no frequency). This variant has not been reported in the literature in individuals affected with ARX-related conditions. ClinVar contains an entry for this variant (Variation ID: 872755). For these reasons, this variant has been classified as Pathogenic. This sequence change creates a premature translational stop signal (p.Leu491*) in the ARX gene. While this is not anticipated to result in nonsense mediated decay, it is expected to disrupt the last 72 amino acid(s) of the ARX protein.

Institute of Medical Genetics and Applied Genomics, University Hospital Tübingen
Classification: Pathogenic. Last evaluated: 2020-10-23. Review status: criteria provided, single submitter. Criteria: ACMG Guidelines, 2015. Collection method: clinical testing. Allele origin: germline. Inheritance: X-linked recessive inheritance. Affected: yes.

CeGaT Center for Human Genetics Tuebingen
Classification: Pathogenic. Last evaluated: 2019-05-01. Review status: criteria provided, single submitter. Criteria: CeGaT Center For Human Genetics Tuebingen Variant Classification Criteria Version 2. Collection method: clinical testing. Allele origin: germline. Affected: yes. Observed: 1 variant allele.

Literature cited by the submitters: PubMed 31623504 (cited by Labcorp Genetics (formerly Invitae), Labcorp).

NM_139058.3(ARX):c.1471del (p.Pro490_Leu491insTer)

Gene: ARX (aristaless related homeobox; minus strand). Cytogenetic location: Xp21.3.
Variant type: Deletion.
Coding change: c.1471del on transcript NM_139058.3 (MANE Select); coding-DNA position 1471, one base deleted (C; older notation c.1471delC).
Protein change: p.Pro490_Leu491insTer.
Molecular consequence: nonsense.
Genome position (GRCh38, 1-based): chrX:25,004,888, G deleted on the plus strand (C on the coding strand, the reverse complement: ARX is on the minus strand); the first of 6 consecutive G bases (chrX:25,004,888-25,004,893); deleting any one gives the same sequence. VCF-style (leftmost placement, unchanged base first): chrX-25004887-AG-A. GRCh37 (hg19) VCF-style: chrX-25023004-AG-A.
Identifiers: ClinVar variation 872755 (VCV000872755.50), dbSNP rs797045292, ClinGen allele CA1139667340.